The following is an entry in ClinVar:

Conditions:
Breast-ovarian cancer, familial, susceptibility to, 1 (BROVCA1). Also called: BRCA1 Hereditary Breast and Ovarian Cancer; OVARIAN CANCER, SUSCEPTIBILITY TO. Identifiers: Orphanet 145, MedGen C2676676, MONDO:0011450, OMIM 604370. Disease mechanism: loss of function.

Submission:

Brotman Baty Institute, University of Washington
No classification provided (evidence only). Condition: Breast-ovarian cancer, familial 1. Review status: no classification provided. Collection method: in vitro. Allele origin: not applicable. Functional consequence: functionally_normal.
ClinVar note: "not provided" was previously submitted as the classification for the variant. However, the classification appeared to be based only on an observation of functional data so it was converted to no classification on 2025-07-30.

NM_007294.4(BRCA1):c.5332+9C>A

Gene: BRCA1 (BRCA1 DNA repair associated; minus strand). Cytogenetic location: 17q21.31.
Variant type: single nucleotide variant.
Coding change: c.5332+9C>A on transcript NM_007294.4 (MANE Select); 9 bases into the intron after coding-DNA position 5332, C replaced by A.
Molecular consequence: intron variant.
Genome position (GRCh38, 1-based): chr17:43,051,054, G>T on the plus strand (C>A on the coding strand, the complement: BRCA1 is on the minus strand). VCF-style: chr17-43051054-G-T. GRCh37 (hg19) VCF-style: chr17-41203071-G-T.
Other names: c.1879+9C>A (NM_001408458.1, NM_001408461.1, NM_001408464.1 and 7 more transcripts); c.4441+9C>A (NM_001407967.1); c.4951+9C>A (NM_001407959.1); c.5065+9C>A (NM_001407931.1, NM_001407932.1, NM_001407928.1 and 4 more transcripts); c.5188+9C>A (NM_001407747.1, NM_001407745.1, NM_001407737.1 and 21 more transcripts); c.4948+9C>A (NM_001407962.1, NM_001407960.1); c.1519+9C>A (NM_001408512.1); c.1642+9C>A (NM_001408510.1); and 74 more.
Identifiers: ClinVar variation 868000 (VCV000868000.3), dbSNP rs2051192763, ClinGen allele CA916081010.
Genomic context (GRCh38, chr17:43,051,054, plus strand): 5'-TGCTTATAATACTCCACTATGTAAGACAAAGGCTGGTGCTGGAACTCTGGGGTTCTCCCA[G>T]GCTCTTACCTGTGGGCATGTTGGTGAAGGGCCCATAGCAACAGATTTCTAGCCCCCTGAA-3'